The following is an entry in ClinVar:

NM_017514.5(PLXNA3):c.513C>T (p.Val171=)

Gene: PLXNA3 (plexin A3; plus strand). Cytogenetic location: Xq28.
Variant type: single nucleotide variant.
Coding change: c.513C>T on transcript NM_017514.5 (MANE Select); coding-DNA position 513, C replaced by T.
Protein change: p.Val171=; no amino-acid change (valine 171 retained).
Molecular consequence: synonymous variant.
Genome position (GRCh38, 1-based): chrX:154,460,696, C>T. VCF-style: chrX-154460696-C-T. GRCh37 (hg19) VCF-style: chrX-153689036-C-T.
Other names: c.513C>T (NM_017514.3).
Identifiers: ClinVar variation 3032114 (VCV003032114.3), dbSNP rs140484283, ClinGen allele CA10563706.
Genomic context (GRCh38, chrX:154,460,696, plus strand): 5'-GGCTGGTGTCATTGTGGAGCAGGGCCAGGGGCCCAGCAAGCTGTTTGTGGGCACTGCTGT[C>T]GACGGCAAGTCGGAGTACTTCCCCACCTTGAGCTCCCGCAAGCTCATCAGTGATGAAGAC-3'
Protein context (NP_059984.3, residues 161-181): GPSKLFVGTA[Val171=]DGKSEYFPTL

ClinVar aggregate classification (germline): Likely benign. Review status: criteria provided, single submitter (1 of 4 stars). 2 submissions from 2 submitters: Likely benign (1). 1 of the submissions does not count toward it. Last evaluated 2025-03-07.

Conditions:
PLXNA3-related disorder. Also called: PLXNA3-related condition.

Allele frequency attached by ClinVar (database versions not stated): ESP Exome Variant Server 0.00019; 1000 Genomes Project 30x 0.00021; gnomAD exomes 0.00024; TOPMed 0.00024; 1000 Genomes Project 0.00026; gnomAD 0.00026; ExAC 0.00045.
gnomAD v4.1: 280 of 1,148,292 alleles (0.024%); highest among the groups gnomAD compares: Middle Eastern, 0.073%; no homozygotes.

Submissions (2):

Ambry Genetics
Classification: Likely benign. Last evaluated: 2025-03-07. Review status: criteria provided, single submitter. Criteria: Ambry Variant Classification Scheme 2023. Collection method: clinical testing. Allele origin: germline.

PreventionGenetics, part of Exact Sciences
Classification: Likely benign for PLXNA3-related condition. Last evaluated: 2022-12-08. Review status: no assertion criteria provided. Collection method: clinical testing. Allele origin: germline. Not counted in ClinVar's aggregate classification.
Comment: This variant is classified as likely benign based on ACMG/AMP sequence variant interpretation guidelines (Richards et al. 2015 PMID: 25741868, with internal and published modifications).